The following is an entry in ClinVar:

ClinVar aggregate classification (germline): Pathogenic/Likely pathogenic. Review status: criteria provided, multiple submitters, no conflicts (2 of 4 stars). 4 submissions from 4 submitters: Pathogenic (1); Likely pathogenic (3). Last evaluated 2024-04-26.

Conditions:
Hereditary acrodermatitis enteropathica (AEZ). Also called: Acrodermatitis enteropathica. Identifiers: Orphanet 37, MedGen C0221036, MONDO:0008713, OMIM 201100.

Submissions (4):

Natera, Inc.
Classification: Likely pathogenic for Acrodermatitis enteropathica. Last evaluated: 2024-04-26. Review status: criteria provided, single submitter. Criteria: Natera Variant Classification Schema (03/2026). Collection method: clinical testing. Allele origin: germline.
Comment: The c.1066delG variant in SLC39A4 is a frameshift variant predicted to shift the reading frame beginning at codon 356 and leads to a stop codon 10 codons downstream. This variant is expected to result in nonsense mediated decay, truncation, or a dysfunctional protein product. This variant is rare in the general population with a frequency below the threshold expected for the associated phenotype(s). Given the available evidence, this variant is classified as Likely Pathogenic.

Fulgent Genetics
Classification: Likely pathogenic for Hereditary acrodermatitis enteropathica. Last evaluated: 2024-03-23. Review status: criteria provided, single submitter. Criteria: ACMG Guidelines, 2015. Collection method: clinical testing. Allele origin: germline.

Labcorp Genetics (formerly Invitae), Labcorp
Classification: Pathogenic. Last evaluated: 2023-04-24. Review status: criteria provided, single submitter. Criteria: Invitae Variant Classification Sherloc (09022015). Collection method: clinical testing. Allele origin: germline.
Comment: For these reasons, this variant has been classified as Pathogenic. ClinVar contains an entry for this variant (Variation ID: 1075429). This variant has not been reported in the literature in individuals affected with SLC39A4-related conditions. The frequency data for this variant in the population databases is considered unreliable, as metrics indicate poor data quality at this position in the gnomAD database. This sequence change creates a premature translational stop signal (p.Val356Serfs*10) in the SLC39A4 gene. It is expected to result in an absent or disrupted protein product. Loss-of-function variants in SLC39A4 are known to be pathogenic (PMID: 12955721).

Revvity Omics, Revvity
Classification: Likely pathogenic for Hereditary acrodermatitis enteropathica. Last evaluated: 2021-06-30. Review status: criteria provided, single submitter. Criteria: ACMG Guidelines, 2015. Collection method: clinical testing. Allele origin: germline.

Literature cited by the submitters: PubMed 12955721 (cited by Labcorp Genetics (formerly Invitae), Labcorp).

NM_130849.4(SLC39A4):c.1066del (p.Val356fs)

Gene: SLC39A4 (solute carrier family 39 member 4; minus strand). Cytogenetic location: 8q24.3.
Variant type: Deletion.
Coding change: c.1066del on transcript NM_130849.4 (MANE Select); coding-DNA position 1066, one base deleted (G; older notation c.1066delG).
Protein change: p.Val356fs; shifts the reading frame from valine 356.
Molecular consequence: frameshift variant.
Genome position (GRCh38, 1-based): chr8:144,414,345, C deleted on the plus strand (G on the coding strand, the reverse complement: SLC39A4 is on the minus strand); the first of 6 consecutive C bases (chr8:144,414,345-144,414,350); deleting any one gives the same sequence. VCF-style (leftmost placement, unchanged base first): chr8-144414344-AC-A. GRCh37 (hg19) VCF-style: chr8-145639728-AC-A.
Other names: c.1066delG (NM_130849.3); c.784del, p.Val262fs (NM_001374839.1); c.991del, p.Val331fs (NM_017767.3); short protein forms V262fs, V331fs, V356fs.
Identifiers: ClinVar variation 1075429 (VCV001075429.11), dbSNP rs781852691, ClinGen allele CA586164241.